The following is an entry in ClinVar:

NM_000051.4(ATM):c.94C>G (p.Arg32Gly)

Gene: ATM (ATM serine/threonine kinase; plus strand). Cytogenetic location: 11q22.3.
Variant type: single nucleotide variant.
Coding change: c.94C>G on transcript NM_000051.4 (MANE Select); coding-DNA position 94, C replaced by G.
Protein change: p.Arg32Gly; replaces arginine 32 with glycine.
Molecular consequence: missense variant.
Genome position (GRCh38, 1-based): chr11:108,227,797, C>G. VCF-style: chr11-108227797-C-G. GRCh37 (hg19) VCF-style: chr11-108098524-C-G.
Other names: c.94C>G, p.Arg32Gly (NM_001351834.2, NM_001351835.2, NM_001351836.2); short protein forms R32G.
Identifiers: ClinVar variation 1767163 (VCV001767163.2), dbSNP rs148061139, ClinGen allele CA382519658.
Genomic context (GRCh38, chr11:108,227,797, plus strand): 5'-GTGATTAGTAACCCATTATTATTTCCTTTTTATTTTCAGAAAGAAGTTGAGAAATTTAAG[C>G]GCCTGATTCGAGATCCTGAAACAATTAAACATCTAGATCGGCATTCAGATTCCAAACAAG-3'
Protein context (NP_000042.3, residues 22-42): ERKKEVEKFK[Arg32Gly]LIRDPETIKH

ClinVar aggregate classification (germline): Uncertain significance (1 of 4 stars; one submission).

Conditions:
Hereditary cancer-predisposing syndrome. Also called: Hereditary Cancer Syndrome; Hereditary neoplastic syndrome; Neoplastic Syndromes, Hereditary; Tumor predisposition. Identifiers: Orphanet 140162, MedGen C0027672, MeSH D009386, MONDO:0015356.

Submission:

Ambry Genetics
Classification: Uncertain significance for Hereditary cancer-predisposing syndrome. Last evaluated: 2021-09-24. Review status: criteria provided, single submitter. Criteria: Ambry Variant Classification Scheme 2023. Collection method: clinical testing. Allele origin: germline.
Comment: The p.R32G variant (also known as c.94C>G), located in coding exon 2 of the ATM gene, results from a C to G substitution at nucleotide position 94. The arginine at codon 32 is replaced by glycine, an amino acid with dissimilar properties. This amino acid position is well conserved in available vertebrate species. In addition, this alteration is predicted to be tolerated by in silico analysis. Since supporting evidence is limited at this time, the clinical significance of this alteration remains unclear.